The following is an entry in ClinVar:

NM_001243279.3(ACSF3):c.891C>A (p.Tyr297Ter)

Gene: ACSF3 (acyl-CoA synthetase family member 3; plus strand). Cytogenetic location: 16q24.3.
Variant type: single nucleotide variant.
Coding change: c.891C>A on transcript NM_001243279.3 (MANE Select); coding-DNA position 891, C replaced by A.
Protein change: p.Tyr297Ter; replaces tyrosine 297 with a stop codon.
Molecular consequence: nonsense. On other transcripts: non-coding transcript variant (3).
Genome position (GRCh38, 1-based): chr16:89,112,160, C>A. VCF-style: chr16-89112160-C-A. GRCh37 (hg19) VCF-style: chr16-89178568-C-A.
Other names: c.891C>A (NM_174917.4); c.891C>A, p.Tyr297Ter (NM_001127214.4, NM_174917.5); c.96C>A, p.Tyr32Ter (NM_001284316.2); short protein forms Y297*, Y32*.
Identifiers: ClinVar variation 1068495 (VCV001068495.15), dbSNP rs2151444797, ClinGen allele CA397139222.

ClinVar aggregate classification (germline): Pathogenic/Likely pathogenic. Review status: criteria provided, multiple submitters, no conflicts (2 of 4 stars). 5 submissions from 5 submitters: Pathogenic (2); Likely pathogenic (3). Last evaluated 2026-01-06.

Conditions:
Combined malonic and methylmalonic acidemia. Identifiers: Orphanet 289504, MedGen C3280314, MONDO:0013661, OMIM 614265.

gnomAD v4.1: 2 of 1,188,786 alleles (0.00017%); highest among the groups gnomAD compares: East Asian, 0.0077%; no homozygotes.

Submissions (5):

Labcorp Genetics (formerly Invitae), Labcorp
Classification: Pathogenic for Combined malonic and methylmalonic acidemia. Last evaluated: 2026-01-06. Review status: criteria provided, single submitter. Criteria: Invitae Variant Classification Sherloc (09022015). Collection method: clinical testing. Allele origin: germline.
Comment: This sequence change creates a premature translational stop signal (p.Tyr297*) in the ACSF3 gene. It is expected to result in an absent or disrupted protein product. Loss-of-function variants in ACSF3 are known to be pathogenic (PMID: 21841779, 26827111). This variant is not present in population databases (gnomAD no frequency). This variant has not been reported in the literature in individuals affected with ACSF3-related conditions. ClinVar contains an entry for this variant (Variation ID: 1068495). For these reasons, this variant has been classified as Pathogenic.

Natera, Inc.
Classification: Likely pathogenic for Combined malonic and methylmalonic aciduria. Last evaluated: 2025-08-26. Review status: criteria provided, single submitter. Criteria: Natera Variant Classification Schema (03/2026). Collection method: clinical testing. Allele origin: germline.
Comment: The c.891C>A variant in ACSF3 is a nonsense variant predicted to introduce a stop codon at amino acid 297. This variant is expected to result in nonsense mediated decay, truncation, or a dysfunctional protein product. This variant is rare in the general population with a frequency below the threshold expected for the associated phenotype(s). Given the available evidence, this variant is classified as Likely Pathogenic.

Fulgent Genetics
Classification: Likely pathogenic for Combined malonic and methylmalonic acidemia. Last evaluated: 2024-06-01. Review status: criteria provided, single submitter. Criteria: ACMG Guidelines, 2015. Collection method: clinical testing. Allele origin: germline.

Baylor Genetics
Classification: Likely pathogenic for Combined malonic and methylmalonic acidemia. Last evaluated: 2024-02-21. Review status: criteria provided, single submitter. Criteria: ACMG Guidelines, 2015. Collection method: clinical testing. Allele origin: unknown.

Revvity Omics, Revvity
Classification: Pathogenic for Combined malonic and methylmalonic acidemia. Last evaluated: 2019-10-18. Review status: criteria provided, single submitter. Criteria: ACMG Guidelines, 2015. Collection method: clinical testing. Allele origin: germline.

Literature cited by the submitters: PubMed 21841779 (cited by Labcorp Genetics (formerly Invitae), Labcorp); PubMed 26827111 (cited by Labcorp Genetics (formerly Invitae), Labcorp).